The following is an entry in ClinVar:

ClinVar aggregate classification (germline): Uncertain significance (1 of 4 stars; one submission).

Allele frequency attached by ClinVar (database versions not stated): gnomAD exomes 0.00001 and 0.00004; ExAC 0.00005; gnomAD 0.00010 and 0.00011; TOPMed 0.00012; ESP Exome Variant Server 0.00015; 1000 Genomes Project 30x 0.00031; 1000 Genomes Project 0.00040.
gnomAD v4.1: 31 of 1,613,876 alleles (0.0019%); highest among the groups gnomAD compares: African/African-American, 0.04%; no homozygotes.

Submission:

Labcorp Genetics (formerly Invitae), Labcorp
Classification: Uncertain significance. Last evaluated: 2025-05-23. Review status: criteria provided, single submitter. Criteria: Invitae Variant Classification Sherloc (09022015). Collection method: clinical testing. Allele origin: germline.
Comment: This sequence change replaces arginine, which is basic and polar, with serine, which is neutral and polar, at codon 3936 of the HMCN1 protein (p.Arg3936Ser). This variant is present in population databases (rs144330600, gnomAD 0.07%), and has an allele count higher than expected for a pathogenic variant. This variant has not been reported in the literature in individuals affected with HMCN1-related conditions. ClinVar contains an entry for this variant (Variation ID: 1410094). An algorithm developed to predict the effect of missense changes on protein structure and function (PolyPhen-2) suggests that this variant is likely to be disruptive. In summary, the available evidence is currently insufficient to determine the role of this variant in disease. Therefore, it has been classified as a Variant of Uncertain Significance.

NM_031935.3(HMCN1):c.11808A>T (p.Arg3936Ser)

Gene: HMCN1 (hemicentin 1; plus strand). Cytogenetic location: 1q31.1.
Variant type: single nucleotide variant.
Coding change: c.11808A>T on transcript NM_031935.3 (MANE Select); coding-DNA position 11808, A replaced by T.
Protein change: p.Arg3936Ser; replaces arginine 3936 with serine.
Molecular consequence: missense variant.
Genome position (GRCh38, 1-based): chr1:186,117,583, A>T. VCF-style: chr1-186117583-A-T. GRCh37 (hg19) VCF-style: chr1-186086715-A-T.
Other names: short protein forms R3936S.
Identifiers: ClinVar variation 1410094 (VCV001410094.6), dbSNP rs144330600, ClinGen allele CA1294155.